The following is an entry in ClinVar:

NM_000169.3(GLA):c.630C>T (p.Pro210=)

Genes: GLA (galactosidase alpha; minus strand), RPL36A-HNRNPH2 (RPL36A-HNRNPH2 readthrough; plus strand). Cytogenetic location: Xq22.1.
Variant type: single nucleotide variant.
Coding change: c.630C>T on transcript NM_000169.3 (MANE Select); coding-DNA position 630, C replaced by T.
Protein change: p.Pro210=; no amino-acid change (proline 210 retained).
Molecular consequence: synonymous variant. On other transcripts: non-coding transcript variant (2), intron variant (2).
Genome position (GRCh38, 1-based): chrX:101,400,675, G>A on the plus strand (C>T on the coding strand, the complement: GLA is on the minus strand). VCF-style: chrX-101400675-G-A. GRCh37 (hg19) VCF-style: chrX-100655663-G-A.
Other names: c.753C>T, p.Pro251= (NM_001406747.1); c.630C>T, p.Pro210= (NM_001406748.1); c.300+5218G>A (NM_001199973.2); c.177+8853G>A (NM_001199974.2).
Identifiers: ClinVar variation 163544 (VCV000163544.4), dbSNP rs727503071, ClinGen allele CA021858.
Genomic context (GRCh38, chrX:101,400,675, plus strand): 5'-AAGTTCTATCTATCAGTACAGTTCTATTGGATTCTGGGCTCACTATCTCACCTTTTGAAA[G>A]GGCCACATATAAAGAGGCCACTCACAGGAGTACACAATGCTTCTGCCAGTCCTATTCAGG-3'
Protein context (NP_000160.1, residues 200-220): YSCEWPLYMW[Pro210=]FQKPNYTEIR

ClinVar aggregate classification (germline): Likely benign (1 of 4 stars; one submission).

Submission:

Laboratory for Molecular Medicine, Mass General Brigham Personalized Medicine
Classification: Likely benign. Last evaluated: 2013-03-26. Review status: criteria provided, single submitter. Criteria: LMM Criteria. Collection method: clinical testing. Allele origin: germline. Observed: 1 variant allele.
Comment: Pro210Pro in exon 4 of GLA: This variant is not expected to have clinical signif icance because it does not alter an amino acid residue and is not located within the splice consensus sequencing. Pro210Pro in exon 4 of GLA (allele frequency = n/a)